The following is an entry in ClinVar:

ClinVar aggregate classification (germline): Uncertain significance (1 of 4 stars; one submission).

Allele frequency attached by ClinVar (database versions not stated): ExAC 0.00001.
gnomAD v4.1: 3 of 1,614,026 alleles (0.00019%); highest among the groups gnomAD compares: Admixed American, 0.0033%; no homozygotes.

Submission:

Labcorp Genetics (formerly Invitae), Labcorp
Classification: Uncertain significance. Last evaluated: 2022-11-08. Review status: criteria provided, single submitter. Criteria: Invitae Variant Classification Sherloc (09022015). Collection method: clinical testing. Allele origin: germline.
Comment: In summary, the available evidence is currently insufficient to determine the role of this variant in disease. Therefore, it has been classified as a Variant of Uncertain Significance. Advanced modeling of protein sequence and biophysical properties (such as structural, functional, and spatial information, amino acid conservation, physicochemical variation, residue mobility, and thermodynamic stability) performed at Invitae indicates that this missense variant is not expected to disrupt MTOR protein function. This variant has not been reported in the literature in individuals affected with MTOR-related conditions. This variant is present in population databases (rs746964824, gnomAD 0.003%). This sequence change replaces aspartic acid, which is acidic and polar, with asparagine, which is neutral and polar, at codon 500 of the MTOR protein (p.Asp500Asn).

NM_004958.4(MTOR):c.1498G>A (p.Asp500Asn)

Gene: MTOR (mechanistic target of rapamycin kinase; minus strand). Cytogenetic location: 1p36.22.
Variant type: single nucleotide variant.
Coding change: c.1498G>A on transcript NM_004958.4 (MANE Select); coding-DNA position 1498, G replaced by A.
Protein change: p.Asp500Asn; replaces aspartic acid 500 with asparagine.
Molecular consequence: missense variant.
Genome position (GRCh38, 1-based): chr1:11,241,596, C>T on the plus strand (G>A on the coding strand, the complement: MTOR is on the minus strand). VCF-style: chr1-11241596-C-T. GRCh37 (hg19) VCF-style: chr1-11301653-C-T.
Other names: c.1498G>A, p.Asp500Asn (NM_001386500.1); c.250G>A, p.Asp84Asn (NM_001386501.1); short protein forms D84N, D500N.
Identifiers: ClinVar variation 2000022 (VCV002000022.4), dbSNP rs746964824, ClinGen allele CA590707.